The following is an entry in ClinVar:

ClinVar aggregate classification (germline): Conflicting classifications of pathogenicity. Review status: criteria provided, conflicting classifications (1 of 4 stars). 2 submissions from 2 submitters: Uncertain significance (1); Likely benign (1). Last evaluated 2025-07-27.

Conditions:
Hereditary cancer-predisposing syndrome. Also called: Neoplastic Syndromes, Hereditary; Tumor predisposition; Hereditary Cancer Syndrome; Hereditary neoplastic syndrome. Identifiers: Orphanet 140162, MedGen C0027672, MeSH D009386, MONDO:0015356.
Pheochromocytoma. Also called: MAX-Related Hereditary Paraganglioma-Pheochromocytoma Syndrome. Identifiers: Orphanet 29072, MedGen C0031511, MONDO:0008233, OMIM 171300, HP:0002666.
Pheochromocytoma/paraganglioma syndrome 4. Also called: CAROTID BODY TUMORS AND MULTIPLE EXTRAADRENAL PHEOCHROMOCYTOMAS; PARAGANGLIOMA, FAMILIAL MALIGNANT; PARAGANGLIOMAS, HEREDITARY EXTRAADRENAL; PHEOCHROMOCYTOMA, FAMILIAL EXTRAADRENAL; Paragangliomas 4; SDHB-Related Hereditary Paraganglioma-Pheochromocytoma Syndrome (Paragangliomas 4). Identifiers: Orphanet 29072, MedGen C1861848, MONDO:0007273, OMIM 115310.
Gastrointestinal stromal tumor. Also called: Gastrointestinal stromal tumor, somatic; Gastrointestinal stroma tumor. Identifiers: Orphanet 44890, MedGen C0238198, MeSH D046152, MONDO:0011719, OMIM 606764, HP:0100723.

gnomAD v4.1: 2 of 1,614,008 alleles (0.00012%); highest among the groups gnomAD compares: Non-Finnish European, 0.00017%; no homozygotes.

Submissions (2):

Labcorp Genetics (formerly Invitae), Labcorp
Classification: Uncertain significance for Gastrointestinal stromal tumor; Pheochromocytoma/paraganglioma syndrome 4; Pheochromocytoma. Last evaluated: 2025-07-27. Review status: criteria provided, single submitter. Criteria: Invitae Variant Classification Sherloc (09022015). Collection method: clinical testing. Allele origin: germline.
Comment: This sequence change replaces valine, which is neutral and non-polar, with isoleucine, which is neutral and non-polar, at codon 83 of the SDHB protein (p.Val83Ile). This variant is not present in population databases (gnomAD no frequency). This variant has not been reported in the literature in individuals affected with SDHB-related conditions. ClinVar contains an entry for this variant (Variation ID: 3438774). Invitae Evidence Modeling of protein sequence and biophysical properties (such as structural, functional, and spatial information, amino acid conservation, physicochemical variation, residue mobility, and thermodynamic stability) indicates that this missense variant is not expected to disrupt SDHB protein function with a negative predictive value of 80%. In summary, the available evidence is currently insufficient to determine the role of this variant in disease. Therefore, it has been classified as a Variant of Uncertain Significance.

Ambry Genetics
Classification: Likely benign for Hereditary cancer-predisposing syndrome. Last evaluated: 2024-12-02. Review status: criteria provided, single submitter. Criteria: Ambry Variant Classification Scheme 2023. Collection method: clinical testing. Allele origin: germline.

NM_003000.3(SDHB):c.247G>A (p.Val83Ile)

Gene: SDHB (succinate dehydrogenase complex iron sulfur subunit B; minus strand). Cytogenetic location: 1p36.13.
Variant type: single nucleotide variant.
Coding change: c.247G>A on transcript NM_003000.3 (MANE Select); coding-DNA position 247, G replaced by A.
Protein change: p.Val83Ile; replaces valine 83 with isoleucine.
Molecular consequence: missense variant.
Genome position (GRCh38, 1-based): chr1:17,033,099, C>T on the plus strand (G>A on the coding strand, the complement: SDHB is on the minus strand). VCF-style: chr1-17033099-C-T. GRCh37 (hg19) VCF-style: chr1-17359594-C-T.
Other names: c.247G>A, p.Val83Ile (NM_001407361.1); short protein forms V83I.
Identifiers: ClinVar variation 3438774 (VCV003438774.2).